The following is an entry in ClinVar:

NM_000256.3(MYBPC3):c.372C>A (p.Ala124=)

Gene: MYBPC3 (myosin binding protein C3; minus strand). Cytogenetic location: 11p11.2.
Variant type: single nucleotide variant.
Coding change: c.372C>A on transcript NM_000256.3 (MANE Select); coding-DNA position 372, C replaced by A.
Protein change: p.Ala124=; no amino-acid change (alanine 124 retained).
Molecular consequence: synonymous variant.
Genome position (GRCh38, 1-based): chr11:47,350,536, G>T on the plus strand (C>A on the coding strand, the complement: MYBPC3 is on the minus strand). VCF-style: chr11-47350536-G-T. GRCh37 (hg19) VCF-style: chr11-47372087-G-T.
Identifiers: ClinVar variation 927013 (VCV000927013.15), dbSNP rs11570046, ClinGen allele CA221707732.
Genomic context (GRCh38, chr11:47,350,536, plus strand): 5'-GCCCCTCCCTGCCCAGCCCCTCTCACCTTTGGGACTTGGGGCACTTTCTCCCAGCTCAGC[G>T]GCTGGGGCCGGGGCTTCTCCAGGGGCTCCAGTGGCCTCAGCAGGGGCAGGGGCAGGGGCC-3'
Protein context (NP_000247.2, residues 114-134): TGAPGEAPAP[Ala124=]AELGESAPSP

ClinVar aggregate classification (germline): Benign/Likely benign. Review status: criteria provided, multiple submitters, no conflicts (2 of 4 stars). 6 submissions from 6 submitters: Benign (1); Likely benign (5). Last evaluated 2026-01-12.

Conditions:
Cardiovascular phenotype. Identifiers: MedGen CN230736.
Cardiomyopathy (CMYO). Also called: Cardiomyopathies. Identifiers: Orphanet 167848, MedGen C0878544, MONDO:0004994, HP:0001638. Inheritance: Various modes of inheritance.
Hypertrophic cardiomyopathy. Also called: HYPERTROPHIC MYOCARDIOPATHY. Identifiers: Orphanet 217569, MedGen C0007194, MeSH D002312, MONDO:0005045, HP:0001639.
Hypertrophic cardiomyopathy 4. Also called: Familial hypertrophic cardiomyopathy 4. Identifiers: MedGen C1861862, MONDO:0007268, OMIM 115197.
Left ventricular noncompaction 10 (LVNC10). Identifiers: Orphanet 154, Orphanet 54260, MedGen C3715165, MONDO:0014163, OMIM 615396.

Allele frequency attached by ClinVar (database versions not stated): TOPMed 0.00003.
gnomAD v4.1: 7 of 1,557,724 alleles (0.00045%); highest among the groups gnomAD compares: African/African-American, 0.0097%; no homozygotes.

Submissions (6):

Labcorp Genetics (formerly Invitae), Labcorp
Classification: Likely benign for Hypertrophic cardiomyopathy. Last evaluated: 2026-01-12. Review status: criteria provided, single submitter. Criteria: Invitae Variant Classification Sherloc (09022015). Collection method: clinical testing. Allele origin: germline.

All of Us Research Program, National Institutes of Health
Classification: Likely benign for Hypertrophic cardiomyopathy. Last evaluated: 2023-08-23. Review status: criteria provided, single submitter. Criteria: ACMG Guidelines, 2015. Collection method: clinical testing. Allele origin: germline. Inheritance: Autosomal dominant inheritance. Observed: 2 variant alleles, 2 heterozygotes.
Comment: This study involves interpretation of variants in research participants for the purpose of population health screening. Participant phenotype was not available at the time of variant classification. Additional details can be found in publication PMID: 35346344, PMCID: PMC8962531

Ambry Genetics
Classification: Likely benign for Cardiovascular phenotype. Last evaluated: 2021-12-21. Review status: criteria provided, single submitter. Criteria: Ambry Variant Classification Scheme 2023. Collection method: clinical testing. Allele origin: germline.

Fulgent Genetics
Classification: Likely benign for Hypertrophic cardiomyopathy 4; Left ventricular noncompaction 10. Last evaluated: 2021-08-18. Review status: criteria provided, single submitter. Criteria: ACMG Guidelines, 2015. Collection method: clinical testing. Allele origin: unknown.

Color Diagnostics, LLC DBA Color Health
Classification: Likely benign for Cardiomyopathy. Last evaluated: 2018-11-22. Review status: criteria provided, single submitter. Criteria: ACMG Guidelines, 2015. Collection method: clinical testing. Allele origin: germline.

GeneDx
Classification: Benign. Last evaluated: 2017-04-11. Review status: criteria provided, single submitter. Criteria: GeneDx Variant Classification Process June 2021. Collection method: clinical testing. Allele origin: germline. Affected: yes.